The following is an entry in ClinVar:

ClinVar aggregate classification (germline): Uncertain significance (1 of 4 stars; one submission).

Allele frequency attached by ClinVar (database versions not stated): gnomAD exomes below 0.00001; TOPMed below 0.00001.
gnomAD v4.1: 1 of 1,613,814 alleles (0.000062%); highest among the groups gnomAD compares: Non-Finnish European, 0.000085%; no homozygotes.

Submission:

Labcorp Genetics (formerly Invitae), Labcorp
Classification: Uncertain significance. Last evaluated: 2024-07-15. Review status: criteria provided, single submitter. Criteria: Invitae Variant Classification Sherloc (09022015). Collection method: clinical testing. Allele origin: germline.
Comment: This sequence change replaces proline, which is neutral and non-polar, with threonine, which is neutral and polar, at codon 435 of the OBSL1 protein (p.Pro435Thr). This variant is not present in population databases (gnomAD no frequency). This variant has not been reported in the literature in individuals affected with OBSL1-related conditions. ClinVar contains an entry for this variant (Variation ID: 1370168). An algorithm developed to predict the effect of missense changes on protein structure and function (PolyPhen-2) suggests that this variant is likely to be disruptive. In summary, the available evidence is currently insufficient to determine the role of this variant in disease. Therefore, it has been classified as a Variant of Uncertain Significance.

NM_015311.3(OBSL1):c.1303C>A (p.Pro435Thr)

Gene: OBSL1 (obscurin like cytoskeletal adaptor 1; minus strand). Cytogenetic location: 2q35.
Variant type: single nucleotide variant.
Coding change: c.1303C>A on transcript NM_015311.3 (MANE Select); coding-DNA position 1303, C replaced by A.
Protein change: p.Pro435Thr; replaces proline 435 with threonine.
Molecular consequence: missense variant.
Genome position (GRCh38, 1-based): chr2:219,567,949, G>T on the plus strand (C>A on the coding strand, the complement: OBSL1 is on the minus strand). VCF-style: chr2-219567949-G-T. GRCh37 (hg19) VCF-style: chr2-220432671-G-T.
Other names: c.1303C>A, p.Pro435Thr (NM_001173408.2, NM_001173431.2); short protein forms P435T.
Identifiers: ClinVar variation 1370168 (VCV001370168.6), dbSNP rs1185397664, ClinGen allele CA350759841.
Genomic context (GRCh38, chr2:219,567,949, plus strand): 5'-CCTCTAGAGTTTCCACTAGCAGCACAGCATTCTCTCCTTCCAGGACGTCGAGCTTCCGGG[G>T]CAGGCGCTTCAGGATGGGCCCTGAGATGCGGACAGGAATCCATCAACCTGGAATCTGAGC-3'
Protein context (NP_056126.1, residues 425-445): TVKGPILKRL[Pro435Thr]RKLDVLEGEN